The following is an entry in ClinVar:

ClinVar aggregate classification (somatic clinical impact): Tier I - Strong (1 of 4 stars; one submission).

Conditions:
Medulloblastoma non-WNT/non-SHH group 4. Identifiers: MedGen C4330666, MONDO:0956967.

Submission:

Institute for Genomic Medicine (IGM) Clinical Laboratory, Nationwide Children's Hospital
Classification: Tier I - Strong for Medulloblastoma non-WNT/non-SHH group 4. Assertion type: diagnostic. Clinical significance: supports diagnosis. Last evaluated: 2023-07-18. Review status: criteria provided, single submitter. Criteria: AMP/ASCO/CAP Guidelines, 2017. Collection method: clinical testing. Allele origin: somatic. Affected: yes.
Comment: Variant has Tier I (strong) clinical significance as a diagnostic inclusion criterion in medulloblastoma non-WNT/non-SHH group 4, based on the following evidence: 1) Documented in one or more cancer databases (e.g., St. Jude Pecan, COSMIC, CIViC, OncoKB). 2) Appears in one or more well-established professional guidelines (e.g., World Health Organization [WHO]; National Comprehensive Cancer Network [NCCN]) as providing diagnostic, prognostic, or therapeutic information. 3) Diagnostic for a specific tumor type/classification based on well-powered studies with expert-level consensus (Evidence Level B).

NM_001291415.2(KDM6A):c.4333-1G>A

Gene: KDM6A (lysine demethylase 6A; plus strand). Cytogenetic location: Xp11.3.
Variant type: single nucleotide variant.
Coding change: c.4333-1G>A on transcript NM_001291415.2 (MANE Select); the canonical splice acceptor site of the intron before coding-DNA position 4333, G replaced by A.
Molecular consequence: splice acceptor variant.
Genome position (GRCh38, 1-based): chrX:45,111,381, G>A. VCF-style: chrX-45111381-G-A. GRCh37 (hg19) VCF-style: chrX-44970626-G-A.
Other names: c.4441-1G>A (NM_001419809.1); c.4339-1G>A (NM_001419810.1); c.4231-1G>A (NM_001419813.1); c.4285-1G>A (NM_001419812.1); c.4177-1G>A (NM_021140.4); c.4183-1G>A (NM_001419814.1); c.4075-1G>A (NM_001410742.1); c.4306-1G>A (NM_001419811.1); and 5 more.
Identifiers: ClinVar variation 4530482 (VCV004530482.1).